The following is an entry in ClinVar:

ClinVar aggregate classification (germline): Uncertain significance (1 of 4 stars; one submission).

Conditions:
Osteogenesis imperfecta type I (OI1). Also called: Lobstein disease; Osteogenesis imperfecta type 1; Classic Non-deforming Osteogenesis Imperfecta with Blue Sclerae; OI, TYPE I; OSTEOGENESIS IMPERFECTA TARDA; OSTEOGENESIS IMPERFECTA WITH BLUE SCLERAE. Identifiers: Orphanet 216796, Orphanet 666, MedGen C0023931, MONDO:0008146, OMIM 166200. Disease mechanism: loss of function.

Allele frequency attached by ClinVar (database versions not stated): gnomAD exomes below 0.00001.
gnomAD v4.1: 2 of 1,612,858 alleles (0.00012%); highest among the groups gnomAD compares: Non-Finnish European, 0.00017%; no homozygotes.

Submission:

Labcorp Genetics (formerly Invitae), Labcorp
Classification: Uncertain significance for Osteogenesis imperfecta type I. Last evaluated: 2024-03-10. Review status: criteria provided, single submitter. Criteria: Invitae Variant Classification Sherloc (09022015). Collection method: clinical testing. Allele origin: germline.
Comment: This sequence change replaces glutamic acid, which is acidic and polar, with lysine, which is basic and polar, at codon 933 of the COL1A1 protein (p.Glu933Lys). This variant is not present in population databases (gnomAD no frequency). This variant has not been reported in the literature in individuals affected with COL1A1-related conditions. ClinVar contains an entry for this variant (Variation ID: 1001788). Advanced modeling of protein sequence and biophysical properties (such as structural, functional, and spatial information, amino acid conservation, physicochemical variation, residue mobility, and thermodynamic stability) has been performed at Invitae for this missense variant, however the output from this modeling did not meet the statistical confidence thresholds required to predict the impact of this variant on COL1A1 protein function. In summary, the available evidence is currently insufficient to determine the role of this variant in disease. Therefore, it has been classified as a Variant of Uncertain Significance.

NM_000088.4(COL1A1):c.2797G>A (p.Glu933Lys)

Gene: COL1A1 (collagen type I alpha 1 chain; minus strand). Cytogenetic location: 17q21.33.
Variant type: single nucleotide variant.
Coding change: c.2797G>A on transcript NM_000088.4 (MANE Select); coding-DNA position 2797, G replaced by A.
Protein change: p.Glu933Lys; replaces glutamic acid 933 with lysine.
Molecular consequence: missense variant.
Genome position (GRCh38, 1-based): chr17:50,189,409, C>T on the plus strand (G>A on the coding strand, the complement: COL1A1 is on the minus strand). VCF-style: chr17-50189409-C-T. GRCh37 (hg19) VCF-style: chr17-48266770-C-T.
Other names: short protein forms E933K.
Identifiers: ClinVar variation 1001788 (VCV001001788.9), dbSNP rs1906865517, ClinGen allele CA400205549.